The following is an entry in ClinVar:

ClinVar aggregate classification (germline): Uncertain significance. Review status: criteria provided, multiple submitters, no conflicts (2 of 4 stars). 2 submissions from 2 submitters: Uncertain significance (2). Last evaluated 2023-09-19.

Conditions:
Combined immunodeficiency with skin granulomas. Identifiers: Orphanet 157949, MedGen C2673536, MONDO:0009306, OMIM 233650.
Severe combined immunodeficiency, autosomal recessive, T cell-negative, B cell-negative, NK cell-positive. Also called: Severe combined immunodeficiency due to complete RAG1/2 deficiency; SCID, T CELL-NEGATIVE, B CELL-NEGATIVE, NK CELL-POSITIVE; SCID, AR, T-cell negative, B-cell negative, NK cell-positive. Identifiers: Orphanet 331206, MedGen C1832322, MONDO:0011086, OMIM 601457.

Allele frequency attached by ClinVar (database versions not stated): TOPMed 0.00001; ExAC 0.00002; gnomAD exomes 0.00002.
gnomAD v4.1: 67 of 1,613,978 alleles (0.0042%); highest among the groups gnomAD compares: Non-Finnish European, 0.0054%; no homozygotes.

Submissions (2):

Blueprint Genetics
Classification: Uncertain significance. Last evaluated: 2023-09-19. Review status: criteria provided, single submitter. Criteria: ACMG Guidelines, 2015. Collection method: clinical testing. Allele origin: germline.

Labcorp Genetics (formerly Invitae), Labcorp
Classification: Uncertain significance for Combined immunodeficiency with skin granulomas; Severe combined immunodeficiency, autosomal recessive, T cell-negative, B cell-negative, NK cell-positive. Last evaluated: 2022-08-04. Review status: criteria provided, single submitter. Criteria: Invitae Variant Classification Sherloc (09022015). Collection method: clinical testing. Allele origin: germline.
Comment: This sequence change replaces lysine, which is basic and polar, with asparagine, which is neutral and polar, at codon 157 of the RAG1 protein (p.Lys157Asn). This variant is present in population databases (rs751582511, gnomAD 0.004%). This variant has not been reported in the literature in individuals affected with RAG1-related conditions. ClinVar contains an entry for this variant (Variation ID: 964198). Advanced modeling of protein sequence and biophysical properties (such as structural, functional, and spatial information, amino acid conservation, physicochemical variation, residue mobility, and thermodynamic stability) performed at Invitae indicates that this missense variant is not expected to disrupt RAG1 protein function. In summary, the available evidence is currently insufficient to determine the role of this variant in disease. Therefore, it has been classified as a Variant of Uncertain Significance.

NM_000448.3(RAG1):c.471G>T (p.Lys157Asn)

Gene: RAG1 (recombination activating 1; plus strand). Cytogenetic location: 11p12.
Variant type: single nucleotide variant.
Coding change: c.471G>T on transcript NM_000448.3 (MANE Select); coding-DNA position 471, G replaced by T.
Protein change: p.Lys157Asn; replaces lysine 157 with asparagine.
Molecular consequence: missense variant.
Genome position (GRCh38, 1-based): chr11:36,573,775, G>T. VCF-style: chr11-36573775-G-T. GRCh37 (hg19) VCF-style: chr11-36595325-G-T.
Other names: c.471G>T, p.Lys157Asn (NM_001377277.1, NM_001377278.1, NM_001377279.1 and 1 more transcripts); short protein forms K157N.
Identifiers: ClinVar variation 964198 (VCV000964198.8), dbSNP rs751582511, ClinGen allele CA5949985.